The following is an entry in ClinVar:

NM_001267550.2(TTN):c.2160T>G (p.Pro720=)

Gene: TTN (titin; minus strand). Cytogenetic location: 2q31.2.
Variant type: single nucleotide variant.
Coding change: c.2160T>G on transcript NM_001267550.2 (MANE Select); coding-DNA position 2160, T replaced by G.
Protein change: p.Pro720=; no amino-acid change (proline 720 retained).
Molecular consequence: synonymous variant.
Genome position (GRCh38, 1-based): chr2:178,786,058, A>C on the plus strand (T>G on the coding strand, the complement: TTN is on the minus strand). VCF-style: chr2-178786058-A-C. GRCh37 (hg19) VCF-style: chr2-179650785-A-C.
Other names: c.2160T>G, p.Pro720= (NM_001256850.1, NM_133378.4, NM_133379.5); c.2022T>G, p.Pro674= (NM_003319.4, NM_133432.3, NM_133437.4).
Identifiers: ClinVar variation 695257 (VCV000695257.17), dbSNP rs776860277, ClinGen allele CA2005881.

ClinVar aggregate classification (germline): Benign/Likely benign. Review status: criteria provided, multiple submitters, no conflicts (2 of 4 stars). 9 submissions from 6 submitters: Benign (5); Likely benign (4). Last evaluated 2026-09-16.

Conditions:
Cardiovascular phenotype. Identifiers: MedGen CN230736.
Myopathy, myofibrillar, 9, with early respiratory failure (MFM9). Also called: Myopathy, distal, with early respiratory failure, autosomal dominant; Hereditary myopathy with early respiratory failure; EDSTROM MYOPATHY; MYOPATHY, PROXIMAL, WITH EARLY RESPIRATORY MUSCLE INVOLVEMENT. Identifiers: Orphanet 178464, Orphanet 34521, MedGen C1863599, MONDO:0011362, OMIM 603689.
Early-onset myopathy with fatal cardiomyopathy (CMYO5). Also called: CONGENITAL MYOPATHY 5 WITH CARDIOMYOPATHY; Salih Myopathy. Identifiers: Orphanet 289377, MedGen C2673677, MONDO:0012714, OMIM 611705. Disease mechanism: loss of function.
TTN-related disorder. Also called: TTN-related disorders; TTN-related condition; TTN-related disease.
Dilated cardiomyopathy 1G (CMD1G). Identifiers: Orphanet 154, MedGen C1858763, MONDO:0011400, OMIM 604145.
Autosomal recessive limb-girdle muscular dystrophy type 2J (LGMDR10). Also called: MUSCULAR DYSTROPHY, LIMB-GIRDLE, AUTOSOMAL RECESSIVE 10; Limb-girdle muscular dystrophy, type 2J. Identifiers: Orphanet 140922, MedGen C1837342, MONDO:0012127, OMIM 608807.
Hypertrophic cardiomyopathy 9. Also called: Familial hypertrophic cardiomyopathy 9. Identifiers: MedGen C1861065, MONDO:0013412, OMIM 613765.
Tibial muscular dystrophy (TMD). Also called: Tibial muscular dystrophy, tardive; Udd Distal Myopathy – Tibial Muscular Dystrophy; UDD MYOPATHY. Identifiers: Orphanet 609, MedGen C1838244, MONDO:0010870, OMIM 600334.

Allele frequency attached by ClinVar (database versions not stated): gnomAD exomes below 0.00001; ExAC 0.00001; gnomAD 0.00002; TOPMed 0.00003.
gnomAD v4.1: 9 of 1,614,012 alleles (0.00056%); highest among the groups gnomAD compares: Non-Finnish European, 0.00076%; no homozygotes.

Submissions (9):

PreventionGenetics, part of Exact Sciences
Classification: Likely benign for TTN-related condition. Last evaluated: 2026-09-16. Review status: criteria provided, single submitter. Criteria: ACMG Guidelines, 2015. Collection method: clinical testing. Allele origin: germline.
Comment: This variant is classified as likely benign based on ACMG/AMP sequence variant interpretation guidelines (Richards et al. 2015 PMID: 25741868, with internal and published modifications).

Labcorp Genetics (formerly Invitae), Labcorp
Classification: Likely benign for Dilated cardiomyopathy 1G; Autosomal recessive limb-girdle muscular dystrophy type 2J. Last evaluated: 2025-11-24. Review status: criteria provided, single submitter. Criteria: Invitae Variant Classification Sherloc (09022015). Collection method: clinical testing. Allele origin: germline.

Genome-Nilou Lab
Classification: Benign for Autosomal recessive limb-girdle muscular dystrophy type 2J. Last evaluated: 2021-09-10. Review status: criteria provided, single submitter. Criteria: ACMG Guidelines, 2015. Collection method: clinical testing. Allele origin: germline. Affected: no.

Genome-Nilou Lab
Classification: Benign for Myopathy, myofibrillar, 9, with early respiratory failure. Last evaluated: 2021-09-10. Review status: criteria provided, single submitter. Criteria: ACMG Guidelines, 2015. Collection method: clinical testing. Allele origin: germline. Affected: no.

Genome-Nilou Lab
Classification: Benign for Early-onset myopathy with fatal cardiomyopathy. Last evaluated: 2021-09-10. Review status: criteria provided, single submitter. Criteria: ACMG Guidelines, 2015. Collection method: clinical testing. Allele origin: germline. Affected: no.

Genome-Nilou Lab
Classification: Benign for Tibial muscular dystrophy. Last evaluated: 2021-09-10. Review status: criteria provided, single submitter. Criteria: ACMG Guidelines, 2015. Collection method: clinical testing. Allele origin: germline. Affected: no.

Fulgent Genetics
Classification: Likely benign for Tibial muscular dystrophy; Myopathy, myofibrillar, 9, with early respiratory failure; Dilated cardiomyopathy 1G; Autosomal recessive limb-girdle muscular dystrophy type 2J; Early-onset myopathy with fatal cardiomyopathy; Hypertrophic cardiomyopathy 9. Last evaluated: 2021-08-12. Review status: criteria provided, single submitter. Criteria: ACMG Guidelines, 2015. Collection method: clinical testing. Allele origin: unknown.

Ambry Genetics
Classification: Likely benign for Cardiovascular phenotype. Last evaluated: 2019-06-01. Review status: criteria provided, single submitter. Criteria: Ambry Variant Classification Scheme 2023. Collection method: clinical testing. Allele origin: germline.

GeneDx
Classification: Benign. Last evaluated: 2015-04-20. Review status: criteria provided, single submitter. Criteria: GeneDx Variant Classification Process June 2021. Collection method: clinical testing. Allele origin: germline. Affected: yes.